The following is an entry in ClinVar:

ClinVar aggregate classification (germline): Uncertain significance (1 of 4 stars; one submission).

Conditions:
Schimke immuno-osseous dysplasia (SIOD). Also called: Schimke Immunoosseous Dysplasia. Identifiers: Orphanet 1830, MedGen C0877024, MONDO:0009458, OMIM 242900.

Allele frequency attached by ClinVar (database versions not stated): TOPMed below 0.00001; gnomAD exomes 0.00001.
gnomAD v4.1: 7 of 1,614,232 alleles (0.00043%); highest among the groups gnomAD compares: Admixed American, 0.012%; 1 homozygote.

Submission:

Labcorp Genetics (formerly Invitae), Labcorp
Classification: Uncertain significance for Schimke immuno-osseous dysplasia. Last evaluated: 2021-08-31. Review status: criteria provided, single submitter. Criteria: Invitae Variant Classification Sherloc (09022015). Collection method: clinical testing. Allele origin: germline.
Comment: This sequence change replaces glutamine with arginine at codon 84 of the SMARCAL1 protein (p.Gln84Arg). The glutamine residue is weakly conserved and there is a small physicochemical difference between glutamine and arginine. This variant is not present in population databases (ExAC no frequency). This variant has not been reported in the literature in individuals affected with SMARCAL1-related conditions. Algorithms developed to predict the effect of missense changes on protein structure and function output the following: SIFT: "Tolerated"; PolyPhen-2: "Benign"; Align-GVGD: "Class C0". The arginine amino acid residue is found in multiple mammalian species, which suggests that this missense change does not adversely affect protein function. In summary, the available evidence is currently insufficient to determine the role of this variant in disease. Therefore, it has been classified as a Variant of Uncertain Significance.

NM_014140.4(SMARCAL1):c.251A>G (p.Gln84Arg)

Gene: SMARCAL1 (SNF2 related chromatin remodeling annealing helicase 1; plus strand). Cytogenetic location: 2q35.
Variant type: single nucleotide variant.
Coding change: c.251A>G on transcript NM_014140.4 (MANE Select); coding-DNA position 251, A replaced by G.
Protein change: p.Gln84Arg; replaces glutamine 84 with arginine.
Molecular consequence: missense variant.
Genome position (GRCh38, 1-based): chr2:216,414,955, A>G. VCF-style: chr2-216414955-A-G. GRCh37 (hg19) VCF-style: chr2-217279678-A-G.
Other names: c.251A>G, p.Gln84Arg (NM_001127207.2); short protein forms Q84R.
Identifiers: ClinVar variation 1430843 (VCV001430843.5), dbSNP rs1384951552, ClinGen allele CA350496883.